The following is an entry in ClinVar:

NM_006218.4(PIK3CA):c.1531G>A (p.Ala511Thr)

Gene: PIK3CA (phosphatidylinositol-4,5-bisphosphate 3-kinase catalytic subunit alpha; plus strand). Cytogenetic location: 3q26.32.
Variant type: single nucleotide variant.
Coding change: c.1531G>A on transcript NM_006218.4 (MANE Select); coding-DNA position 1531, G replaced by A.
Protein change: p.Ala511Thr; replaces alanine 511 with threonine.
Molecular consequence: missense variant.
Genome position (GRCh38, 1-based): chr3:179,210,557, G>A. VCF-style: chr3-179210557-G-A. GRCh37 (hg19) VCF-style: chr3-178928345-G-A.
Other names: short protein forms A511T.
Identifiers: ClinVar variation 2037754 (VCV002037754.4), dbSNP rs201631515, ClinGen allele CA2710740.

ClinVar aggregate classification (germline): Uncertain significance (1 of 4 stars; one submission).

Conditions:
Cowden syndrome (CS). Also called: Cowden's disease; Cowden's syndrome; Cowden disease. Identifiers: Orphanet 201, MedGen C0018553, MONDO:0016063. Disease mechanism: gain of function.

Allele frequency attached by ClinVar (database versions not stated): TOPMed 0.00001; gnomAD 0.00003.
gnomAD v4.1: 16 of 1,613,462 alleles (0.00099%); highest among the groups gnomAD compares: Admixed American, 0.005%; no homozygotes.

Submission:

Labcorp Genetics (formerly Invitae), Labcorp
Classification: Uncertain significance for Cowden syndrome. Last evaluated: 2022-02-09. Review status: criteria provided, single submitter. Criteria: Invitae Variant Classification Sherloc (09022015). Collection method: clinical testing. Allele origin: germline.
Comment: In summary, the available evidence is currently insufficient to determine the role of this variant in disease. Therefore, it has been classified as a Variant of Uncertain Significance. Advanced modeling of protein sequence and biophysical properties (such as structural, functional, and spatial information, amino acid conservation, physicochemical variation, residue mobility, and thermodynamic stability) performed at Invitae indicates that this missense variant is not expected to disrupt PIK3CA protein function. This variant has not been reported in the literature in individuals affected with PIK3CA-related conditions. This variant is present in population databases (rs201631515, gnomAD 0.0009%). This sequence change replaces alanine, which is neutral and non-polar, with threonine, which is neutral and polar, at codon 511 of the PIK3CA protein (p.Ala511Thr).